The following is an entry in ClinVar:

ClinVar aggregate classification (germline): Likely benign (1 of 4 stars; one submission).

Conditions:
Mitochondrial complex III deficiency nuclear type 2. Identifiers: MedGen C3554605, MONDO:0014063, OMIM 615157.

Allele frequency attached by ClinVar (database versions not stated): TOPMed 0.01346; gnomAD 0.01464 and 0.01526; 1000 Genomes Project 0.01797; 1000 Genomes Project 30x 0.01827; gnomAD exomes 0.02082 and 0.02163; ExAC 0.02638.
gnomAD v4.1: 8,525 of 452,778 alleles (1.9%); highest among the groups gnomAD compares: Admixed American, 3.5%; 153 homozygotes.

Submission:

Illumina Laboratory Services, Illumina
Classification: Likely benign for Mitochondrial complex III deficiency nuclear type 2. Last evaluated: 2018-01-13. Review status: criteria provided, single submitter. Criteria: ICSL Variant Classification Criteria 13 December 2019. Collection method: clinical testing. Allele origin: germline.
Comment: This variant was observed in the ICSL laboratory as part of a predisposition screen in an ostensibly healthy population. It had not been previously curated by ICSL or reported in the Human Gene Mutation Database (HGMD: prior to June 1st, 2018), and was therefore a candidate for classification through an automated scoring system. Utilizing variant allele frequency, disease prevalence and penetrance estimates, and inheritance mode, an automated score was calculated to assess if this variant is too frequent to cause the disease. Based on the score and internal cut-off values, a variant classified as likely benign is not then subjected to further curation. The score for this variant resulted in a classification of likely benign for this disease.

NM_017775.4(TTC19):c.*1543A>G

Gene: TTC19 (tetratricopeptide repeat domain 19; plus strand). Cytogenetic location: 17p12.
Variant type: single nucleotide variant.
Coding change: c.*1543A>G on transcript NM_017775.4 (MANE Select); 1543 bases downstream of the stop codon, A replaced by G.
Molecular consequence: 3 prime UTR variant.
Genome position (GRCh38, 1-based): chr17:16,029,065, A>G. VCF-style: chr17-16029065-A-G. GRCh37 (hg19) VCF-style: chr17-15932379-A-G.
Other names: c.*1543A>G (NM_001271420.2).
Identifiers: ClinVar variation 321981 (VCV000321981.5), dbSNP rs118174899, ClinGen allele CA8407737.
Genomic context (GRCh38, chr17:16,029,065, plus strand): 5'-GCTCAGAGAGATAAGATACAATATAAATCAGACTGTTTCAGTAGAAACCAGTATTAACGT[A>G]TGGTGATTTCTTAAAAAAATTAATGTCAACCACTCACCTTTTGCATTGAGAATGTTTTTA-3'